The following is an entry in ClinVar:

ClinVar aggregate classification (germline): Uncertain significance (1 of 4 stars; one submission).

Conditions:
Familial cold autoinflammatory syndrome 3 (FCAS3). Also called: FAMILIAL ATYPICAL COLD URTICARIA; ANTIBODY DEFICIENCY AND IMMUNE DYSREGULATION, PLCG2-ASSOCIATED. Identifiers: Orphanet 300359, MedGen C3280914, MONDO:0013766, OMIM 614468.

Allele frequency attached by ClinVar (database versions not stated): gnomAD exomes below 0.00001; TOPMed below 0.00001; ExAC 0.00001.
gnomAD v4.1: 7 of 1,613,208 alleles (0.00043%); highest among the groups gnomAD compares: Non-Finnish European, 0.00051%; no homozygotes.

Submission:

Labcorp Genetics (formerly Invitae), Labcorp
Classification: Uncertain significance for Familial cold autoinflammatory syndrome 3. Last evaluated: 2021-06-13. Review status: criteria provided, single submitter. Criteria: Invitae Variant Classification Sherloc (09022015). Collection method: clinical testing. Allele origin: germline.
Comment: In summary, the available evidence is currently insufficient to determine the role of this variant in disease. Therefore, it has been classified as a Variant of Uncertain Significance. Algorithms developed to predict the effect of missense changes on protein structure and function output the following: SIFT: "Tolerated"; PolyPhen-2: "Benign"; Align-GVGD: "Class C0". The valine amino acid residue is found in multiple mammalian species, suggesting that this missense change does not adversely affect protein function. These predictions have not been confirmed by published functional studies and their clinical significance is uncertain. This variant has not been reported in the literature in individuals with PLCG2-related conditions. This variant is present in population databases (rs780839015, ExAC 0.001%). This sequence change replaces alanine with valine at codon 180 of the PLCG2 protein (p.Ala180Val). The alanine residue is weakly conserved and there is a small physicochemical difference between alanine and valine.

NM_002661.5(PLCG2):c.539C>T (p.Ala180Val)

Gene: PLCG2 (phospholipase C gamma 2; plus strand). Cytogenetic location: 16q23.3.
Variant type: single nucleotide variant.
Coding change: c.539C>T on transcript NM_002661.5 (MANE Select); coding-DNA position 539, C replaced by T.
Protein change: p.Ala180Val; replaces alanine 180 with valine.
Molecular consequence: missense variant.
Genome position (GRCh38, 1-based): chr16:81,869,273, C>T. VCF-style: chr16-81869273-C-T. GRCh37 (hg19) VCF-style: chr16-81902878-C-T.
Other names: short protein forms A180V.
Identifiers: ClinVar variation 1360635 (VCV001360635.8), dbSNP rs780839015, ClinGen allele CA8193257.